The following is an entry in ClinVar:

ClinVar aggregate classification (germline): Uncertain significance (1 of 4 stars; one submission).

Allele frequency attached by ClinVar (database versions not stated): ExAC 0.00001; gnomAD 0.00002; TOPMed 0.00002; ESP Exome Variant Server 0.00008.

Submission:

Labcorp Genetics (formerly Invitae), Labcorp
Classification: Uncertain significance. Last evaluated: 2022-05-12. Review status: criteria provided, single submitter. Criteria: Invitae Variant Classification Sherloc (09022015). Collection method: clinical testing. Allele origin: germline.
Comment: This variant is present in population databases (rs376275466, gnomAD 0.01%). This sequence change replaces leucine, which is neutral and non-polar, with phenylalanine, which is neutral and non-polar, at codon 409 of the PISD protein (p.Leu409Phe). This variant has not been reported in the literature in individuals affected with PISD-related conditions. Algorithms developed to predict the effect of missense changes on protein structure and function are either unavailable or do not agree on the potential impact of this missense change (SIFT: "Not Available"; PolyPhen-2: "Benign"; Align-GVGD: "Not Available"). In summary, the available evidence is currently insufficient to determine the role of this variant in disease. Therefore, it has been classified as a Variant of Uncertain Significance.

NM_001326411.2(PISD):c.1225C>T (p.Leu409Phe)

Gene: PISD (phosphatidylserine decarboxylase; minus strand). Cytogenetic location: 22q12.2.
Variant type: single nucleotide variant.
Coding change: c.1225C>T on transcript NM_001326411.2 (MANE Select); coding-DNA position 1225, C replaced by T.
Protein change: p.Leu409Phe; replaces leucine 409 with phenylalanine.
Molecular consequence: missense variant. On other transcripts: 3 prime UTR variant (1).
Genome position (GRCh38, 1-based): chr22:31,619,617, G>A on the plus strand (C>T on the coding strand, the complement: PISD is on the minus strand). VCF-style: chr22-31619617-G-A. GRCh37 (hg19) VCF-style: chr22-32015603-G-A.
Other names: c.1162C>T, p.Leu388Phe (NM_001326412.1, NM_001326413.2, NM_001326414.2); c.1123C>T, p.Leu375Phe (NM_001326415.2, NM_001326416.2, NM_001326417.2 and 2 more transcripts); c.1045C>T, p.Leu349Phe (NM_001326418.2); c.1009C>T, p.Leu337Phe (NM_001326419.2); c.931C>T, p.Leu311Phe (NM_001326420.2); c.*173C>T (NM_001326421.1); short protein forms L311F, L337F, L349F, L375F, L388F, L409F.
Identifiers: ClinVar variation 2413700 (VCV002413700.6), dbSNP rs376275466, ClinGen allele CA10194498.